The following is an entry in ClinVar:

ClinVar aggregate classification (germline): Uncertain significance (1 of 4 stars; one submission).

Conditions:
Cardiovascular phenotype. Identifiers: MedGen CN230736.

Submission:

Ambry Genetics
Classification: Uncertain significance for Cardiovascular phenotype. Last evaluated: 2026-08-21. Review status: criteria provided, single submitter. Criteria: Ambry Variant Classification Scheme 2023. Collection method: clinical testing. Allele origin: germline.
Comment: The p.L4810P variant (also known as c.14429T>C), located in coding exon 100 of the RYR2 gene, results from a T to C substitution at nucleotide position 14429. The leucine at codon 4810 is replaced by proline, an amino acid with similar properties. This amino acid position is well conserved in available vertebrate species. In addition, this alteration is predicted to be deleterious by in silico analysis. Based on the available evidence, the clinical significance of this variant remains unclear.

NM_001035.3(RYR2):c.14429T>C (p.Leu4810Pro)

Gene: RYR2 (ryanodine receptor 2; plus strand). Cytogenetic location: 1q43.
Variant type: single nucleotide variant.
Coding change: c.14429T>C on transcript NM_001035.3 (MANE Select); coding-DNA position 14429, T replaced by C.
Protein change: p.Leu4810Pro; replaces leucine 4810 with proline.
Molecular consequence: missense variant.
Genome position (GRCh38, 1-based): chr1:237,809,031, T>C. VCF-style: chr1-237809031-T-C. GRCh37 (hg19) VCF-style: chr1-237972331-T-C.
Other names: short protein forms L4810P.
Identifiers: ClinVar variation 5028703 (VCV005028703.1).